The following is an entry in ClinVar:

NM_080916.3(DGUOK):c.152A>G (p.Lys51Arg)

Gene: DGUOK (deoxyguanosine kinase; plus strand). Cytogenetic location: 2p13.1.
Variant type: single nucleotide variant.
Coding change: c.152A>G on transcript NM_080916.3 (MANE Select); coding-DNA position 152, A replaced by G.
Protein change: p.Lys51Arg; replaces lysine 51 with arginine.
Molecular consequence: missense variant. On other transcripts: intron variant (4).
Genome position (GRCh38, 1-based): chr2:73,938,919, A>G. VCF-style: chr2-73938919-A-G. GRCh37 (hg19) VCF-style: chr2-74166046-A-G.
Other names: c.152A>G, p.Lys51Arg (NM_001318859.2, NM_080918.3); c.-37+6236A>G (NM_001318861.2, NM_001318862.2); c.-36-7800A>G (NM_001318860.2, NM_001318863.2); short protein forms K51R.
Identifiers: ClinVar variation 420751 (VCV000420751.4), dbSNP rs1064794680, ClinGen allele CA16617764.

ClinVar aggregate classification (germline): Uncertain significance. Review status: criteria provided, multiple submitters, no conflicts (2 of 4 stars). 2 submissions from 2 submitters: Uncertain significance (2). Last evaluated 2016-03-21.

Conditions:
Mitochondrial DNA depletion syndrome 3 (hepatocerebral type). Also called: Mitochondrial DNA depletion syndrome, hepatocerebral form due to DGUOK deficiency; MITOCHONDRIAL DNA DEPLETION SYNDROME 3; Deoxyguanosine Kinase Deficiency. Identifiers: Orphanet 279934, MedGen CN074093, MONDO:0009636, OMIM 251880.

Submissions (2):

GeneDx
Classification: Uncertain significance. Last evaluated: 2016-03-21. Review status: criteria provided, single submitter. Criteria: GeneDx Variant Classification (06012015). Collection method: clinical testing. Allele origin: germline. Affected: yes.
Comment: The K51R variant in the DGUOK gene has not been reported previously as a pathogenic variant, nor as a benign variant, to our knowledge. The K51R variant was not observed in approximately 6,500 individuals of European and African American ancestry in the NHLBI Exome Sequencing Project, indicating it is not a common benign variant in these populations. The K51R variant is a conservative amino acid substitution, which occurs at a position that is conserved across species. In silico analysis predicts this variant is probably damaging to the protein structure/function. A missense variant at the same residue (K51Q) has been reported to occur with another variant in the DGUOK gene, but these variants could not be confirmed to be in trans and no further evidence was provided to indicate the pathogenicity of K51Q (Dimmock et al., 2008). We interpret K51R as a variant of uncertain significance.

Neuberg Centre For Genomic Medicine, NCGM
Classification: Uncertain significance for Mitochondrial DNA depletion syndrome 3 (hepatocerebral type). Review status: criteria provided, single submitter. Criteria: ACMG Guidelines, 2015. Collection method: clinical testing. Allele origin: germline. Affected: yes.
Comment: The missense variant p.K51R in DGUOK (NM_080916.3) has not been reported previously as a pathogenic variant nor as a benign variant, to our knowledge. The variant has been submitted to ClinVar as Uncertain significance.The p.K51R variant is novel (not in any individuals) in gnomAD Exomes and is novel (not in any individuals) in 1000 Genomes. The p.K51R missense variant is predicted to be damaging by both SIFT and PolyPhen2. A missense variant at the same residue (K51Q) has been reported to occur with another variant but phase- cis/trans conifrmation is not available (Dimmock et al., 2008). The lysine residue at codon 51 of DGUOK is conserved in all mammalian species. The nucleotide c.152 in DGUOK is predicted conserved by GERP++ and PhyloP across 100 vertebrates. For these reasons, this variant has been classified as Uncertain Significance.